The following is an entry in ClinVar:

ClinVar aggregate classification (germline): Uncertain significance (1 of 4 stars; one submission).

Conditions:
Cohen syndrome (COH1). Also called: PEPPER SYNDROME; Cutis verticis gyrata, retinitis pigmentosa, and sensorineural deafness. Identifiers: Orphanet 193, MedGen C0265223, MONDO:0008999, OMIM 216550.

Allele frequency attached by ClinVar (database versions not stated): gnomAD exomes below 0.00001; ExAC 0.00001.
gnomAD v4.1: 2 of 1,614,066 alleles (0.00012%); highest among the groups gnomAD compares: African/African-American, 0.0013%; no homozygotes.

Submission:

Labcorp Genetics (formerly Invitae), Labcorp
Classification: Uncertain significance for Cohen syndrome. Last evaluated: 2021-09-17. Review status: criteria provided, single submitter. Criteria: Invitae Variant Classification Sherloc (09022015). Collection method: clinical testing. Allele origin: germline.
Comment: This sequence change replaces lysine with glutamic acid at codon 1024 of the VPS13B protein (p.Lys1024Glu). The lysine residue is moderately conserved and there is a small physicochemical difference between lysine and glutamic acid. This variant is present in population databases (rs775278199, ExAC 0.002%). This variant has not been reported in the literature in individuals affected with VPS13B-related conditions. Algorithms developed to predict the effect of missense changes on protein structure and function are either unavailable or do not agree on the potential impact of this missense change (SIFT: "Not Available"; PolyPhen-2: "Possibly Damaging"; Align-GVGD: "Not Available"). In summary, the available evidence is currently insufficient to determine the role of this variant in disease. Therefore, it has been classified as a Variant of Uncertain Significance.

NM_152564.5(VPS13B):c.3070A>G (p.Lys1024Glu)

Gene: VPS13B (vacuolar protein sorting 13 homolog B; plus strand). Cytogenetic location: 8q22.2.
Variant type: single nucleotide variant.
Coding change: c.3070A>G on transcript NM_152564.5 (MANE Select); coding-DNA position 3070, A replaced by G.
Protein change: p.Lys1024Glu; replaces lysine 1024 with glutamic acid.
Molecular consequence: missense variant.
Genome position (GRCh38, 1-based): chr8:99,391,692, A>G. VCF-style: chr8-99391692-A-G. GRCh37 (hg19) VCF-style: chr8-100403920-A-G.
Other names: c.3070A>G, p.Lys1024Glu (NM_017890.5); short protein forms K1024E.
Identifiers: ClinVar variation 2180276 (VCV002180276.1), dbSNP rs775278199, ClinGen allele CA4823141.